The following is an entry in ClinVar:

NM_000548.5(TSC2):c.3884-150G>A

Gene: TSC2 (TSC complex subunit 2; plus strand). Cytogenetic location: 16p13.3.
Variant type: single nucleotide variant.
Coding change: c.3884-150G>A on transcript NM_000548.5 (MANE Select); 150 bases into the intron before coding-DNA position 3884, G replaced by A.
Molecular consequence: intron variant.
Genome position (GRCh38, 1-based): chr16:2,083,545, G>A. VCF-style: chr16-2083545-G-A. GRCh37 (hg19) VCF-style: chr16-2133546-G-A.
Other names: c.3815-150G>A (NM_001114382.3); c.3755-150G>A (NM_021055.3, NM_001370405.1); c.3686-150G>A (NM_001363528.2); c.3752-150G>A (NM_001370404.1); c.3683-150G>A (NM_001077183.3); c.3575-150G>A (NM_001318827.2); c.3152-150G>A (NM_001318831.2); c.3539-150G>A (NM_001318829.2); and 1 more.
Identifiers: ClinVar variation 133431 (VCV000133431.1), dbSNP rs587778010, ClinGen allele CA019624.

ClinVar aggregate classification (germline): not provided (0 of 4 stars; one submission).

Allele frequency attached by ClinVar (database versions not stated): gnomAD exomes 0.00004; TOPMed 0.00005; gnomAD 0.00008 and 0.00009.
gnomAD v4.1: 90 of 1,373,150 alleles (0.0066%); highest among the groups gnomAD compares: African/African-American, 0.014%; no homozygotes.

Submission:

ITMI
No classification provided. Condition: AllHighlyPenetrant. Last evaluated: 2013-09-19. Review status: no classification provided. Collection method: reference population. Allele origin: germline.
Comment: Please see associated publication for description of ethnicities

Literature cited by the submitters: PubMed 24728327.